The following is an entry in ClinVar:

NM_001458.5(FLNC):c.2094C>T (p.Gly698=)

Gene: FLNC (filamin C; plus strand). Cytogenetic location: 7q32.1.
Variant type: single nucleotide variant.
Coding change: c.2094C>T on transcript NM_001458.5 (MANE Select); coding-DNA position 2094, C replaced by T.
Protein change: p.Gly698=; no amino-acid change (glycine 698 retained).
Molecular consequence: synonymous variant.
Genome position (GRCh38, 1-based): chr7:128,841,540, C>T. VCF-style: chr7-128841540-C-T. GRCh37 (hg19) VCF-style: chr7-128481594-C-T.
Other names: c.2094C>T, p.Gly698= (NM_001127487.2).
Identifiers: ClinVar variation 1379775 (VCV001379775.8), dbSNP rs1585156683, ClinGen allele CA457583545.
Genomic context (GRCh38, chr7:128,841,540, plus strand): 5'-GCCTACCGGCTGCATCGTGGACAAGCCCGCTGAGTTCACCATTGATGCTCGTGCAGCTGG[C>T]AAGGGAGACCTGAAGCTCTATGCCCAGGTAGGTCATTGTCCAGTCTCTGCTGCCCTTACT-3'
Protein context (NP_001449.3, residues 688-708): AEFTIDARAA[Gly698=]KGDLKLYAQD

ClinVar aggregate classification (germline): Uncertain significance (1 of 4 stars; one submission).

Conditions:
Myofibrillar myopathy 5. Also called: Filaminopathy (type); FILAMINOPATHY, AUTOSOMAL DOMINANT. Identifiers: Orphanet 171445, MedGen C1836050, MONDO:0012289, OMIM 609524.
Distal myopathy with posterior leg and anterior hand involvement. Also called: WILLIAMS DISTAL MYOPATHY. Identifiers: Orphanet 63273, MedGen C3279722, MONDO:0013550, OMIM 614065.
Hypertrophic cardiomyopathy 26. Also called: Cardiomyopathy, familial hypertrophic, 26. Identifiers: Orphanet 75249, MedGen C4310749, MONDO:0014883, OMIM 617047.

Allele frequency attached by ClinVar (database versions not stated): gnomAD exomes below 0.00001; gnomAD 0.00001.
gnomAD v4.1: 3 of 1,613,922 alleles (0.00019%); highest among the groups gnomAD compares: South Asian, 0.0011%; no homozygotes.

Submission:

Labcorp Genetics (formerly Invitae), Labcorp
Classification: Uncertain significance for Distal myopathy with posterior leg and anterior hand involvement; Myofibrillar myopathy 5; Hypertrophic cardiomyopathy 26. Last evaluated: 2025-08-03. Review status: criteria provided, single submitter. Criteria: Invitae Variant Classification Sherloc (09022015). Collection method: clinical testing. Allele origin: germline.
Comment: This sequence change affects codon 698 of the FLNC mRNA. It is a 'silent' change, meaning that it does not change the encoded amino acid sequence of the FLNC protein. This variant is not present in population databases (gnomAD no frequency). This variant has not been reported in the literature in individuals affected with FLNC-related conditions. ClinVar contains an entry for this variant (Variation ID: 1379775). Algorithms developed to predict the effect of sequence changes on RNA splicing suggest that this variant may create or strengthen a splice site. In summary, the available evidence is currently insufficient to determine the role of this variant in disease. Therefore, it has been classified as a Variant of Uncertain Significance.